The following is an entry in ClinVar:

NM_020964.3(EPG5):c.7685C>G (p.Ala2562Gly)

Gene: EPG5 (ectopic P-granules 5 autophagy tethering factor; minus strand). Cytogenetic location: 18q12.3.
Variant type: single nucleotide variant.
Coding change: c.7685C>G on transcript NM_020964.3 (MANE Select); coding-DNA position 7685, C replaced by G.
Protein change: p.Ala2562Gly; replaces alanine 2562 with glycine.
Molecular consequence: missense variant.
Genome position (GRCh38, 1-based): chr18:45,852,522, G>C on the plus strand (C>G on the coding strand, the complement: EPG5 is on the minus strand). VCF-style: chr18-45852522-G-C. GRCh37 (hg19) VCF-style: chr18-43432487-G-C.
Other names: short protein forms A2562G.
Identifiers: ClinVar variation 1494085 (VCV001494085.9), dbSNP rs2145146931, ClinGen allele CA402335206.

ClinVar aggregate classification (germline): Uncertain significance (1 of 4 stars; one submission).

Conditions:
Vici syndrome (VICIS). Identifiers: Orphanet 1493, MedGen C1855772, MONDO:0009452, OMIM 242840.

Submission:

Labcorp Genetics (formerly Invitae), Labcorp
Classification: Uncertain significance for Vici syndrome. Last evaluated: 2024-02-17. Review status: criteria provided, single submitter. Criteria: Invitae Variant Classification Sherloc (09022015). Collection method: clinical testing. Allele origin: germline.
Comment: This sequence change replaces alanine, which is neutral and non-polar, with glycine, which is neutral and non-polar, at codon 2562 of the EPG5 protein (p.Ala2562Gly). This variant is not present in population databases (gnomAD no frequency). This variant has not been reported in the literature in individuals affected with EPG5-related conditions. ClinVar contains an entry for this variant (Variation ID: 1494085). Advanced modeling of protein sequence and biophysical properties (such as structural, functional, and spatial information, amino acid conservation, physicochemical variation, residue mobility, and thermodynamic stability) performed at Invitae indicates that this missense variant is not expected to disrupt EPG5 protein function with a negative predictive value of 80%. In summary, the available evidence is currently insufficient to determine the role of this variant in disease. Therefore, it has been classified as a Variant of Uncertain Significance.